The following is an entry in ClinVar:

NM_022773.4(LMF1):c.1412T>G (p.Phe471Cys)

Gene: LMF1 (lipase maturation factor 1; minus strand). Cytogenetic location: 16p13.3.
Variant type: single nucleotide variant.
Coding change: c.1412T>G on transcript NM_022773.4 (MANE Select); coding-DNA position 1412, T replaced by G.
Protein change: p.Phe471Cys; replaces phenylalanine 471 with cysteine.
Molecular consequence: missense variant. On other transcripts: non-coding transcript variant (1), intron variant (1).
Genome position (GRCh38, 1-based): chr16:869,887, A>C on the plus strand (T>G on the coding strand, the complement: LMF1 is on the minus strand). VCF-style: chr16-869887-A-C. GRCh37 (hg19) VCF-style: chr16-919887-A-C.
Other names: c.761T>G, p.Phe254Cys (NM_001352017.2, NM_001352021.2); c.1013T>G, p.Phe338Cys (NM_001352018.2); c.1085T>G, p.Phe362Cys (NM_001352019.2); c.1336+76T>G (NM_001352020.1); short protein forms F254C, F338C, F362C, F471C.
Identifiers: ClinVar variation 4824660 (VCV004824660.1).

ClinVar aggregate classification (germline): Uncertain significance (1 of 4 stars; one submission).

Conditions:
Cardiovascular phenotype. Identifiers: MedGen CN230736.

gnomAD v4.1: 1 of 1,611,532 alleles (0.000062%); highest among the groups gnomAD compares: Admixed American, 0.0017%; no homozygotes.

Submission:

Ambry Genetics
Classification: Uncertain significance for Cardiovascular phenotype. Last evaluated: 2026-02-14. Review status: criteria provided, single submitter. Criteria: Ambry Variant Classification Scheme 2023. Collection method: clinical testing. Allele origin: germline.
Comment: The p.F471C variant (also known as c.1412T>G), located in coding exon 9 of the LMF1 gene, results from a T to G substitution at nucleotide position 1412. The phenylalanine at codon 471 is replaced by cysteine, an amino acid with highly dissimilar properties. This amino acid position is conserved. In addition, the in silico prediction for this alteration is inconclusive. Based on the available evidence, the clinical significance of this variant remains unclear.